The following is an entry in ClinVar:

ClinVar aggregate classification (germline): Benign/Likely benign. Review status: criteria provided, multiple submitters, no conflicts (2 of 4 stars). 4 submissions from 4 submitters: Benign (1); Likely benign (2). 1 of the submissions does not count toward it. Last evaluated 2025-10-03.

Conditions:
DCTN1-related disorder. Also called: DCTN1-related condition.
Amyotrophic lateral sclerosis type 1 (ALS1). Also called: AMYOTROPHIC LATERAL SCLEROSIS 1, FAMILIAL. Identifiers: Orphanet 803, MedGen C1862939, MONDO:0007103, OMIM 105400.
Neuronopathy, distal hereditary motor, type 7B. Also called: HMN VIIB; LOWER MOTOR NEURON DISEASE, DYNACTIN TYPE; Distal Hereditary Motor Neuronopathy Type 7B (dHMN7B); NEURONOPATHY, DISTAL HEREDITARY MOTOR, AUTOSOMAL DOMINANT 14; NEURONOPATHY, DISTAL HEREDITARY MOTOR, HARDING TYPE VIIB; NEUROPATHY, DISTAL HEREDITARY MOTOR, HARDING TYPE VIIB. Identifiers: Orphanet 139589, MedGen C1843315, MONDO:0011879, OMIM 607641.
Perry syndrome. Also called: PARKINSONISM WITH ALVEOLAR HYPOVENTILATION AND MENTAL DEPRESSION. Identifiers: Orphanet 178509, MedGen C1868594, MONDO:0008201, OMIM 168605.
Inborn genetic diseases. Identifiers: MedGen C0950123, MeSH D030342.

Allele frequency attached by ClinVar (database versions not stated): gnomAD exomes 0.00008 and 0.00012; ExAC 0.00012; 1000 Genomes Project 30x 0.00016; TOPMed 0.00016; 1000 Genomes Project 0.00020; gnomAD 0.00020; ESP Exome Variant Server 0.00023.
gnomAD v4.1: 140 of 1,614,220 alleles (0.0087%); highest among the groups gnomAD compares: African/African-American, 0.017%; no homozygotes.

Submissions (4):

Women's Health and Genetics/Laboratory Corporation of America, LabCorp
Classification: Benign. Last evaluated: 2025-10-03. Review status: criteria provided, single submitter. Criteria: LabCorp Variant Classification Summary - May 2015. Collection method: clinical testing. Allele origin: germline.

Labcorp Genetics (formerly Invitae), Labcorp
Classification: Likely benign for Amyotrophic lateral sclerosis type 1; Neuronopathy, distal hereditary motor, type 7B; Perry syndrome. Last evaluated: 2025-10-02. Review status: criteria provided, single submitter. Criteria: Invitae Variant Classification Sherloc (09022015). Collection method: clinical testing. Allele origin: germline.

Ambry Genetics
Classification: Likely benign for Inborn genetic diseases. Last evaluated: 2019-07-11. Review status: criteria provided, single submitter. Criteria: Ambry Variant Classification Scheme 2023. Collection method: clinical testing. Allele origin: germline.

PreventionGenetics, part of Exact Sciences
Classification: Likely benign for DCTN1-related condition. Last evaluated: 2022-05-09. Review status: no assertion criteria provided. Collection method: clinical testing. Allele origin: germline. Not counted in ClinVar's aggregate classification.
Comment: This variant is classified as likely benign based on ACMG/AMP sequence variant interpretation guidelines (Richards et al. 2015 PMID: 25741868, with internal and published modifications).

NM_004082.5(DCTN1):c.2605C>T (p.Leu869=)

Gene: DCTN1 (dynactin subunit 1; minus strand). Cytogenetic location: 2p13.1.
Variant type: single nucleotide variant.
Coding change: c.2605C>T on transcript NM_004082.5 (MANE Select); coding-DNA position 2605, C replaced by T.
Protein change: p.Leu869=; no amino-acid change (leucine 869 retained).
Molecular consequence: synonymous variant. On other transcripts: non-coding transcript variant (1).
Genome position (GRCh38, 1-based): chr2:74,366,482, G>A on the plus strand (C>T on the coding strand, the complement: DCTN1 is on the minus strand). VCF-style: chr2-74366482-G-A. GRCh37 (hg19) VCF-style: chr2-74593609-G-A.
Other names: c.2545C>T, p.Leu849= (NM_001135040.3); c.2203C>T, p.Leu735= (NM_001135041.3, NM_023019.4); c.2494C>T, p.Leu832= (NM_001190836.2); c.2584C>T, p.Leu862= (NM_001190837.2); c.2554C>T, p.Leu852= (NM_001378991.1); c.2536C>T, p.Leu846= (NM_001378992.1).
Identifiers: ClinVar variation 536179 (VCV000536179.19), dbSNP rs148511573, ClinGen allele CA1721800.